The following is an entry in ClinVar:

NM_025099.6(CTC1):c.1077G>A (p.Ser359=)

Gene: CTC1 (CST telomere replication complex component 1; minus strand). Cytogenetic location: 17p13.1.
Variant type: single nucleotide variant.
Coding change: c.1077G>A on transcript NM_025099.6 (MANE Select); coding-DNA position 1077, G replaced by A.
Protein change: p.Ser359=; no amino-acid change (serine 359 retained).
Molecular consequence: synonymous variant. On other transcripts: non-coding transcript variant (1).
Genome position (GRCh38, 1-based): chr17:8,236,058, C>T on the plus strand (G>A on the coding strand, the complement: CTC1 is on the minus strand). VCF-style: chr17-8236058-C-T. GRCh37 (hg19) VCF-style: chr17-8139376-C-T.
Identifiers: ClinVar variation 1365879 (VCV001365879.6), dbSNP rs767741611, ClinGen allele CA8372484.

ClinVar aggregate classification (germline): Uncertain significance (1 of 4 stars; one submission).

Conditions:
Dyskeratosis congenita. Identifiers: Orphanet 1775, MedGen C0265965, MONDO:0015780.

Allele frequency attached by ClinVar (database versions not stated): ExAC 0.00001; gnomAD exomes 0.00001.
gnomAD v4.1: 9 of 1,609,690 alleles (0.00056%); highest among the groups gnomAD compares: Admixed American, 0.0017%; no homozygotes.

Submission:

Labcorp Genetics (formerly Invitae), Labcorp
Classification: Uncertain significance for Dyskeratosis congenita. Last evaluated: 2024-11-27. Review status: criteria provided, single submitter. Criteria: Invitae Variant Classification Sherloc (09022015). Collection method: clinical testing. Allele origin: germline.
Comment: This sequence change affects codon 359 of the CTC1 mRNA. It is a 'silent' change, meaning that it does not change the encoded amino acid sequence of the CTC1 protein. This variant also falls at the last nucleotide of exon 6, which is part of the consensus splice site for this exon. This variant is present in population databases (rs767741611, gnomAD 0.002%). This variant has not been reported in the literature in individuals affected with CTC1-related conditions. ClinVar contains an entry for this variant (Variation ID: 1365879). Variants that disrupt the consensus splice site are a relatively common cause of aberrant splicing (PMID: 17576681, 9536098). Algorithms developed to predict the effect of sequence changes on RNA splicing suggest that this variant may disrupt the consensus splice site. In summary, the available evidence is currently insufficient to determine the role of this variant in disease. Therefore, it has been classified as a Variant of Uncertain Significance.

Literature cited by the submitters: PubMed 17576681; PubMed 9536098.